The following is an entry in ClinVar:

ClinVar aggregate classification (germline): Pathogenic (1 of 4 stars; one submission).

Conditions:
Medium-chain acyl-coenzyme A dehydrogenase deficiency (ACADMD). Also called: MCADH DEFICIENCY; Medium chain acyl-CoA dehydrogenase deficiency; MCAD Deficiency; ACADM DEFICIENCY; MCADD; CARNITINE DEFICIENCY SECONDARY TO MEDIUM-CHAIN ACYL-CoA DEHYDROGENASE DEFICIENCY. Identifiers: Orphanet 42, MedGen C0220710, MONDO:0008721, OMIM 201450.

Submission:

Labcorp Genetics (formerly Invitae), Labcorp
Classification: Pathogenic for Medium-chain acyl-coenzyme A dehydrogenase deficiency. Last evaluated: 2021-06-02. Review status: criteria provided, single submitter. Criteria: Invitae Variant Classification Sherloc (09022015). Collection method: clinical testing. Allele origin: germline.
Comment: This sequence change creates a premature translational stop signal (p.Arg248Ilefs*9) in the ACADM gene. It is expected to result in an absent or disrupted protein product. Loss-of-function variants in ACADM are known to be pathogenic (PMID: 16121256, 20434380). This variant is not present in population databases (ExAC no frequency). This variant has not been reported in the literature in individuals with ACADM-related conditions. For these reasons, this variant has been classified as Pathogenic.

Literature cited by the submitters: PubMed 16121256; PubMed 20434380.

NM_000016.6(ACADM):c.741_742dup (p.Arg248fs)

Gene: ACADM (acyl-CoA dehydrogenase medium chain; plus strand). Cytogenetic location: 1p31.1.
Variant type: Duplication.
Coding change: c.741_742dup on transcript NM_000016.6 (MANE Select); coding-DNA positions 741 to 742, 2 bases duplicated (TA; older notation c.741_742dupTA).
Protein change: p.Arg248fs; shifts the reading frame from arginine 248.
Molecular consequence: frameshift variant.
Genome position (GRCh38, 1-based): chr1:75,749,451-75,749,452, TA duplicated. VCF-style (leftmost placement, unchanged base first): chr1-75749450-C-CTA. GRCh37 (hg19) VCF-style: chr1-76215135-C-CTA.
Other names: c.753_754dup, p.Arg252fs (NM_001127328.3); c.633_634dup, p.Arg212fs (NM_001286042.2); c.840_841dup, p.Arg281fs (NM_001286043.2); c.174_175dup, p.Arg59fs (NM_001286044.2); short protein forms R59fs, R212fs, R248fs, R252fs, R281fs.
Identifiers: ClinVar variation 1453591 (VCV001453591.6), dbSNP rs2100417454, ClinGen allele CA2573132606.